The following is an entry in ClinVar:

NM_000284.4(PDHA1):c.261T>G (p.Ile87Met)

Gene: PDHA1 (pyruvate dehydrogenase E1 subunit alpha 1; plus strand). Cytogenetic location: Xp22.12.
Variant type: single nucleotide variant.
Coding change: c.261T>G on transcript NM_000284.4 (MANE Select); coding-DNA position 261, T replaced by G.
Protein change: p.Ile87Met; replaces isoleucine 87 with methionine.
Molecular consequence: missense variant.
Genome position (GRCh38, 1-based): chrX:19,350,080, T>G. VCF-style: chrX-19350080-T-G. GRCh37 (hg19) VCF-style: chrX-19368198-T-G.
Other names: c.375T>G, p.Ile125Met (NM_001173454.2); c.261T>G, p.Ile87Met (NM_001173455.2, NM_001173456.2); short protein forms I125M, I87M.
Identifiers: ClinVar variation 4070495 (VCV004070495.1).

ClinVar aggregate classification (germline): Pathogenic (0 of 4 stars; one submission).

Conditions:
Pyruvate dehydrogenase E1-alpha deficiency (PDHAD). Also called: ATAXIA, INTERMITTENT, WITH PYRUVATE DEHYDROGENASE DEFICIENCY; ATAXIA WITH LACTIC ACIDOSIS I; ATAXIA, INTERMITTENT, WITH ABNORMAL PYRUVATE METABOLISM; Ataxia, intermittent, with pyruvate dehydrogenase, or decarboxylase, deficiency. Identifiers: Orphanet 79243, MedGen C1839413, MONDO:0010717, OMIM 312170.

Submission:

PDHA1 Study Group, University Children’s Hospital, Paracelsus Medical University
Classification: Pathogenic for Pyruvate dehydrogenase E1-alpha deficiency. Last evaluated: 2024-10-15. Review status: no assertion criteria provided. Collection method: research. Allele origin: germline. Affected: yes. Observed: 2 variant alleles.
Comment: The NM_000284.3:c.261T>G (p.Ile87Met) substitution is a missense variant in PDHA1 gene. In total, 2 individuals were diagnosed with PDHA1-related Pyruvate dehydrogenase complex (PDHc) deficiency (MIM #312170). The variant has been reported in 1 published case (PMIDs: 24718837). Last literature search: July 12, 2024. This variant is absent or extremely rare in population-based cohorts in the Genome Aggregation Database (gnomAD). Individuals harboring this variant presented with clinical features compatible with PDHA1-related PDHc deficiency. In summary, this variant meets criteria to be classified as pathogenic (P) for PDHA1-related PDHc deficiency based on the ACMG/AMP criteria applied: PS3, PM1, PM2, PM7, PP3 (last assessment October 15, 2024).

Literature cited by the submitters: PubMed 24718837; DOI 10.1093/brain/awaf430.